The following is an entry in ClinVar:

NM_001458.5(FLNC):c.5587A>G (p.Ser1863Gly)

Genes: FLNC (filamin C; plus strand), FLNC-AS1 (FLNC antisense RNA 1; minus strand). Cytogenetic location: 7q32.1.
Variant type: single nucleotide variant.
Coding change: c.5587A>G on transcript NM_001458.5 (MANE Select); coding-DNA position 5587, A replaced by G.
Protein change: p.Ser1863Gly; replaces serine 1863 with glycine.
Molecular consequence: missense variant.
Genome position (GRCh38, 1-based): chr7:128,851,279, A>G. VCF-style: chr7-128851279-A-G. GRCh37 (hg19) VCF-style: chr7-128491333-A-G.
Other names: c.5488A>G, p.Ser1830Gly (NM_001127487.2); short protein forms S1863G, S1830G.
Identifiers: ClinVar variation 1748447 (VCV001748447.2), dbSNP rs2536655731, ClinGen allele CA369207383.

ClinVar aggregate classification (germline): Uncertain significance (1 of 4 stars; one submission).

Conditions:
Cardiovascular phenotype. Identifiers: MedGen CN230736.

Submission:

Ambry Genetics
Classification: Uncertain significance for Cardiovascular phenotype. Last evaluated: 2020-03-04. Review status: criteria provided, single submitter. Criteria: Ambry Variant Classification Scheme 2023. Collection method: clinical testing. Allele origin: germline.
Comment: The p.S1863G variant (also known as c.5587A>G), located in coding exon 34 of the FLNC gene, results from an A to G substitution at nucleotide position 5587. The serine at codon 1863 is replaced by glycine, an amino acid with similar properties. This amino acid position is not well conserved in available vertebrate species. In addition, the in silico prediction for this alteration is inconclusive. Since supporting evidence is limited at this time, the clinical significance of this alteration remains unclear.